The following is an entry in ClinVar:

NM_001163435.3(TBCK):c.266+5T>C

Gene: TBCK (TBC1 domain containing kinase; minus strand). Cytogenetic location: 4q24.
Variant type: single nucleotide variant.
Coding change: c.266+5T>C on transcript NM_001163435.3 (MANE Select); 5 bases into the intron after coding-DNA position 266, T replaced by C.
Molecular consequence: intron variant.
Genome position (GRCh38, 1-based): chr4:106,295,089, A>G on the plus strand (T>C on the coding strand, the complement: TBCK is on the minus strand). VCF-style: chr4-106295089-A-G. GRCh37 (hg19) VCF-style: chr4-107216246-A-G.
Other names: c.266+5T>C (NM_001163436.4, NM_033115.5, NM_001163437.3); c.-352+5T>C (NM_001290768.2).
Identifiers: ClinVar variation 1507470 (VCV001507470.6), dbSNP rs776630884, ClinGen allele CA3035486.

ClinVar aggregate classification (germline): Uncertain significance (1 of 4 stars; one submission).

Allele frequency attached by ClinVar (database versions not stated): gnomAD exomes below 0.00001; ExAC 0.00001.
gnomAD v4.1: 3 of 1,610,064 alleles (0.00019%); highest among the groups gnomAD compares: Non-Finnish European, 0.00025%; no homozygotes.

Submission:

Labcorp Genetics (formerly Invitae), Labcorp
Classification: Uncertain significance. Last evaluated: 2021-07-25. Review status: criteria provided, single submitter. Criteria: Invitae Variant Classification Sherloc (09022015). Collection method: clinical testing. Allele origin: germline.
Comment: In summary, the available evidence is currently insufficient to determine the role of this variant in disease. Therefore, it has been classified as a Variant of Uncertain Significance. Nucleotide substitutions within the consensus splice site are a relatively common cause of aberrant splicing (PMID: 17576681, 9536098). Algorithms developed to predict the effect of sequence changes on RNA splicing suggest that this variant is not likely to affect RNA splicing. This variant has not been reported in the literature in individuals affected with TBCK-related conditions. This variant is present in population databases (rs776630884, ExAC 0.002%). This sequence change falls in intron 3 of the TBCK gene. It does not directly change the encoded amino acid sequence of the TBCK protein. It affects a nucleotide within the consensus splice site of the intron.

Literature cited by the submitters: PubMed 17576681; PubMed 9536098.